The following is an entry in ClinVar:

NM_024426.6(WT1):c.*3G>A

Gene: WT1 (WT1 transcription factor; minus strand). Cytogenetic location: 11p13.
Variant type: single nucleotide variant.
Coding change: c.*3G>A on transcript NM_024426.6 (MANE Select); 3 bases downstream of the stop codon, G replaced by A.
Molecular consequence: 3 prime UTR variant. On other transcripts: non-coding transcript variant (2).
Genome position (GRCh38, 1-based): chr11:32,389,055, C>T on the plus strand (G>A on the coding strand, the complement: WT1 is on the minus strand). VCF-style: chr11-32389055-C-T. GRCh37 (hg19) VCF-style: chr11-32410601-C-T.
Other names: c.*3G>A (NM_000378.6, NM_001198551.2, NM_001198552.2 and 15 more transcripts).
Identifiers: ClinVar variation 3072683 (VCV003072683.1), dbSNP rs1240257854, ClinGen allele CA598392463.

ClinVar aggregate classification (germline): Uncertain significance (1 of 4 stars; one submission).

Conditions:
Wilms tumor 1 (WT1). Also called: Wilms tumor, somatic. Identifiers: Orphanet 654, MedGen CN033288, MONDO:0008679, OMIM 194070.

Allele frequency attached by ClinVar (database versions not stated): gnomAD exomes below 0.00001.

Submission:

All of Us Research Program, National Institutes of Health
Classification: Uncertain significance for Wilms tumor 1. Last evaluated: 2023-08-15. Review status: criteria provided, single submitter. Criteria: ACMG Guidelines, 2015. Collection method: clinical testing. Allele origin: germline. Inheritance: Autosomal dominant inheritance. Observed: 1 variant allele, 1 heterozygote.
Comment: This variant causes a single nucleotide substitution in the 3' untranslated region of the WT1 gene. To our knowledge, functional studies have not been reported for this variant. This variant has not been reported in individuals affected with WT1-related disorders in the literature. This variant has been identified in 1/251422 chromosomes in the general population by the Genome Aggregation Database (gnomAD). The available evidence is insufficient to determine the role of this variant in disease conclusively. Therefore, this variant is classified as a Variant of Uncertain Significance.

This study involves interpretation of variants in research participants for the purpose of population health screening. Participant phenotype was not available at the time of variant classification. Additional details can be found in publication PMID: 35346344, PMCID: PMC8962531